The following is an entry in ClinVar:

NM_017514.5(PLXNA3):c.3700G>A (p.Ala1234Thr)

Gene: PLXNA3 (plexin A3; plus strand). Cytogenetic location: Xq28.
Variant type: single nucleotide variant.
Coding change: c.3700G>A on transcript NM_017514.5 (MANE Select); coding-DNA position 3700, G replaced by A.
Protein change: p.Ala1234Thr; replaces alanine 1234 with threonine.
Molecular consequence: missense variant.
Genome position (GRCh38, 1-based): chrX:154,467,881, G>A. VCF-style: chrX-154467881-G-A. GRCh37 (hg19) VCF-style: chrX-153696224-G-A.
Other names: short protein forms A1234T.
Identifiers: ClinVar variation 3351256 (VCV003351256.1).
Genomic context (GRCh38, chrX:154,467,881, plus strand): 5'-CGGGCGCTGACCCTACCGGCCATGATGGGGCTGGCGGCGGGGGGTGGGCTCCTGCTGCTG[G>A]CCATCACAGCCGTGCTGGTGGCCTACAAGCGCAAGACTCAGGACGCGGACCGTACCCTCA-3'
Protein context (NP_059984.3, residues 1224-1244): LAAGGGLLLL[Ala1234Thr]ITAVLVAYKR

ClinVar aggregate classification (germline): Uncertain significance (0 of 4 stars; one submission).

Conditions:
PLXNA3-related disorder. Also called: PLXNA3-related condition.

Submission:

PreventionGenetics, part of Exact Sciences
Classification: Uncertain significance for PLXNA3-related condition. Last evaluated: 2024-02-26. Review status: no assertion criteria provided. Collection method: clinical testing. Allele origin: germline.
Comment: The PLXNA3 c.3700G>A variant is predicted to result in the amino acid substitution p.Ala1234Thr. To our knowledge, this variant has not been reported in the literature. This variant is reported in 0.0013% of alleles in individuals of European (Non-Finnish) descent in gnomAD. At this time, the clinical significance of this variant is uncertain due to the absence of conclusive functional and genetic evidence.